The following is an entry in ClinVar:

NM_144997.7(FLCN):c.674C>T (p.Ala225Val)

Gene: FLCN (folliculin; minus strand). Cytogenetic location: 17p11.2.
Variant type: single nucleotide variant.
Coding change: c.674C>T on transcript NM_144997.7 (MANE Select); coding-DNA position 674, C replaced by T.
Protein change: p.Ala225Val; replaces alanine 225 with valine.
Molecular consequence: missense variant.
Genome position (GRCh38, 1-based): chr17:17,222,606, G>A on the plus strand (C>T on the coding strand, the complement: FLCN is on the minus strand). VCF-style: chr17-17222606-G-A. GRCh37 (hg19) VCF-style: chr17-17125920-G-A.
Other names: c.728C>T, p.Ala243Val (NM_001353229.2); c.674C>T, p.Ala225Val (NM_001353230.2, NM_001353231.2, NM_144606.7); short protein forms A225V, A243V.
Identifiers: ClinVar variation 2878769 (VCV002878769.3), dbSNP rs2144950836, ClinGen allele CA398534030.

ClinVar aggregate classification (germline): Uncertain significance (1 of 4 stars; one submission).

Conditions:
Birt-Hogg-Dube syndrome. Also called: Birt Hogg Dubé syndrome. Identifiers: Orphanet 122, MedGen C0346010, MONDO:0800444.

Submission:

Labcorp Genetics (formerly Invitae), Labcorp
Classification: Uncertain significance for Birt-Hogg-Dube syndrome. Last evaluated: 2023-09-20. Review status: criteria provided, single submitter. Criteria: Invitae Variant Classification Sherloc (09022015). Collection method: clinical testing. Allele origin: germline.
Comment: In summary, the available evidence is currently insufficient to determine the role of this variant in disease. Therefore, it has been classified as a Variant of Uncertain Significance. Advanced modeling of protein sequence and biophysical properties (such as structural, functional, and spatial information, amino acid conservation, physicochemical variation, residue mobility, and thermodynamic stability) performed at Invitae indicates that this missense variant is not expected to disrupt FLCN protein function. This variant has not been reported in the literature in individuals affected with FLCN-related conditions. This variant is not present in population databases (gnomAD no frequency). This sequence change replaces alanine, which is neutral and non-polar, with valine, which is neutral and non-polar, at codon 225 of the FLCN protein (p.Ala225Val).